The following is an entry in ClinVar:

ClinVar aggregate classification (germline): Likely pathogenic (1 of 4 stars; one submission).

Conditions:
Cockayne syndrome type 2 (CSB). Also called: COCKAYNE SYNDROME B; Cockayne Syndrome, Type II. Identifiers: Orphanet 191, Orphanet 90322, MedGen C0751038, MONDO:0019570, OMIM 133540.

Submission:

Myriad Genetics, Inc.
Classification: Likely pathogenic for Cockayne syndrome type 2. Last evaluated: 2022-02-02. Review status: criteria provided, single submitter. Criteria: Myriad Women's Health Autosomal Recessive and X-Linked Classification Criteria (2021). Collection method: clinical testing. Allele origin: unknown.
Comment: NM_000124.2(ERCC6):c.1719T>A(C573*) is expected to be pathogenic in the context of ERCC6-related disorders. This variant is predicted to lead to an abnormal or absent protein product due to the creation of a premature termination codon in ERCC6, a gene where loss-of-function variants are known to be pathogenic. Please note: this variant was assessed in the context of healthy population screening.

NM_000124.4(ERCC6):c.1719T>A (p.Cys573Ter)

Gene: ERCC6 (ERCC excision repair 6, chromatin remodeling factor; minus strand). Cytogenetic location: 10q11.23.
Variant type: single nucleotide variant.
Coding change: c.1719T>A on transcript NM_000124.4 (MANE Select); coding-DNA position 1719, T replaced by A.
Protein change: p.Cys573Ter; replaces cysteine 573 with a stop codon.
Molecular consequence: nonsense.
Genome position (GRCh38, 1-based): chr10:49,493,219, A>T on the plus strand (T>A on the coding strand, the complement: ERCC6 is on the minus strand). VCF-style: chr10-49493219-A-T. GRCh37 (hg19) VCF-style: chr10-50701265-A-T.
Other names: c.1719T>A, p.Cys573Ter (NM_001346440.2); short protein forms C573*.
Identifiers: ClinVar variation 1724226 (VCV001724226.2), dbSNP rs2496033437, ClinGen allele CA376726611.